The following is an entry in ClinVar:

NM_000090.4(COL3A1):c.4046T>C (p.Val1349Ala)

Gene: COL3A1 (collagen type III alpha 1 chain; plus strand). Cytogenetic location: 2q32.2.
Variant type: single nucleotide variant.
Coding change: c.4046T>C on transcript NM_000090.4 (MANE Select); coding-DNA position 4046, T replaced by C.
Protein change: p.Val1349Ala; replaces valine 1349 with alanine.
Molecular consequence: missense variant.
Genome position (GRCh38, 1-based): chr2:189,010,682, T>C. VCF-style: chr2-189010682-T-C. GRCh37 (hg19) VCF-style: chr2-189875408-T-C.
Other names: short protein forms V1349A.
Identifiers: ClinVar variation 2775163 (VCV002775163.2), dbSNP rs2469170199, ClinGen allele CA349849242.

ClinVar aggregate classification (germline): Uncertain significance (1 of 4 stars; one submission).

Conditions:
Familial thoracic aortic aneurysm and aortic dissection (TAAD). Also called: Thoracic aortic aneurysms and dissections. Identifiers: Orphanet 91387, MedGen C4707243, MONDO:0019625.

Allele frequency attached by ClinVar (database versions not stated): gnomAD exomes below 0.00001.

Submission:

Color Diagnostics, LLC DBA Color Health
Classification: Uncertain significance for Familial thoracic aortic aneurysm and aortic dissection. Last evaluated: 2023-10-26. Review status: criteria provided, single submitter. Criteria: ACMG Guidelines, 2015. Collection method: clinical testing. Allele origin: germline.
Comment: This missense variant replaces valine with alanine at codon 1349 of the COL3A1 protein. Computational prediction suggests that this variant may not impact protein structure and function (internally defined REVEL score threshold <= 0.5, PMID: 27666373). To our knowledge, functional studies have not been reported for this variant. This variant has not been reported in individuals affected with COL3A1-related disorders in the literature. This variant has not been identified in the general population by the Genome Aggregation Database (gnomAD). The available evidence is insufficient to determine the role of this variant in disease conclusively. Therefore, this variant is classified as a Variant of Uncertain Significance.